The following is an entry in ClinVar:

ClinVar aggregate classification (germline): Uncertain significance (1 of 4 stars; one submission).

Conditions:
ARHGEF6-related disorder. Also called: ARHGEF6-related condition.

Submission:

PreventionGenetics, part of Exact Sciences
Classification: Uncertain significance for ARHGEF6-related condition. Last evaluated: 2023-06-06. Review status: criteria provided, single submitter. Criteria: ACMG Guidelines, 2015. Collection method: clinical testing. Allele origin: germline.
Comment: The ARHGEF6 c.2194A>G variant is predicted to result in the amino acid substitution p.Asn732Asp. To our knowledge, this variant has not been reported in the literature or in a large population database, indicating this variant is rare. At this time, the clinical significance of this variant is uncertain due to the absence of conclusive functional and genetic evidence.

NM_004840.3(ARHGEF6):c.2194A>G (p.Asn732Asp)

Gene: ARHGEF6 (Rac/Cdc42 guanine nucleotide exchange factor 6; minus strand). Cytogenetic location: Xq26.3.
Variant type: single nucleotide variant.
Coding change: c.2194A>G on transcript NM_004840.3 (MANE Select); coding-DNA position 2194, A replaced by G.
Protein change: p.Asn732Asp; replaces asparagine 732 with aspartic acid.
Molecular consequence: missense variant.
Genome position (GRCh38, 1-based): chrX:136,668,166, T>C on the plus strand (A>G on the coding strand, the complement: ARHGEF6 is on the minus strand). VCF-style: chrX-136668166-T-C. GRCh37 (hg19) VCF-style: chrX-135750325-T-C.
Other names: c.1732A>G, p.Asn578Asp (NM_001306177.2); short protein forms N578D, N732D.
Identifiers: ClinVar variation 2632605 (VCV002632605.1), dbSNP rs2522148728, ClinGen allele CA414757721.